The following is an entry in ClinVar:

NM_001059.3(TACR3):c.1114C>T (p.Arg372Cys)

Genes: TACR3 (tachykinin receptor 3; minus strand), TACR3-AS1 (TACR3 antisense RNA 1; plus strand). Cytogenetic location: 4q24.
Variant type: single nucleotide variant.
Coding change: c.1114C>T on transcript NM_001059.3 (MANE Select); coding-DNA position 1114, C replaced by T.
Protein change: p.Arg372Cys; replaces arginine 372 with cysteine.
Molecular consequence: missense variant.
Genome position (GRCh38, 1-based): chr4:103,589,966, G>A on the plus strand (C>T on the coding strand, the complement: TACR3 is on the minus strand). VCF-style: chr4-103589966-G-A. GRCh37 (hg19) VCF-style: chr4-104511123-G-A.
Other names: short protein forms R372C.
Identifiers: ClinVar variation 4777347 (VCV004777347.1).

ClinVar aggregate classification (germline): Uncertain significance (1 of 4 stars; one submission).

gnomAD v4.1: 4 of 1,613,720 alleles (0.00025%); highest among the groups gnomAD compares: East Asian, 0.0022%; no homozygotes.

Submission:

Labcorp Genetics (formerly Invitae), Labcorp
Classification: Uncertain significance. Last evaluated: 2025-12-03. Review status: criteria provided, single submitter. Criteria: Invitae Variant Classification Sherloc (09022015). Collection method: clinical testing. Allele origin: germline.
Comment: This sequence change replaces arginine, which is basic and polar, with cysteine, which is neutral and slightly polar, at codon 372 of the TACR3 protein (p.Arg372Cys). This variant is present in population databases (no rsID available, gnomAD 0.006%). This variant has not been reported in the literature in individuals affected with TACR3-related conditions. Invitae Evidence Modeling of protein sequence and biophysical properties (such as structural, functional, and spatial information, amino acid conservation, physicochemical variation, residue mobility, and thermodynamic stability) indicates that this missense variant is not expected to disrupt TACR3 protein function with a negative predictive value of 80%. In summary, the available evidence is currently insufficient to determine the role of this variant in disease. Therefore, it has been classified as a Variant of Uncertain Significance.